The following is an entry in ClinVar:

ClinVar aggregate classification (germline): Likely benign (1 of 4 stars; one submission).

Conditions:
Hypercholanemia, familial 1 (FHCA1). Identifiers: Orphanet 238475, MedGen C5542604, MONDO:0031446, OMIM 607748.

Allele frequency attached by ClinVar (database versions not stated): gnomAD 0.00043 and 0.00050; TOPMed 0.00056; 1000 Genomes Project 30x 0.00078; 1000 Genomes Project 0.00080.

Submission:

Illumina Laboratory Services, Illumina
Classification: Likely benign for Hypercholanemia, familial 1. Last evaluated: 2018-01-13. Review status: criteria provided, single submitter. Criteria: ICSL Variant Classification Criteria 13 December 2019. Collection method: clinical testing. Allele origin: germline.
Comment: This variant was observed in the ICSL laboratory as part of a predisposition screen in an ostensibly healthy population. It had not been previously curated by ICSL or reported in the Human Gene Mutation Database (HGMD: prior to June 1st, 2018), and was therefore a candidate for classification through an automated scoring system. Utilizing variant allele frequency, disease prevalence and penetrance estimates, and inheritance mode, an automated score was calculated to assess if this variant is too frequent to cause the disease. Based on the score and internal cut-off values, a variant classified as likely benign is not then subjected to further curation. The score for this variant resulted in a classification of likely benign for this disease.

NM_001701.4(BAAT):c.*1617C>T

Gene: BAAT (bile acid-CoA:amino acid N-acyltransferase; minus strand). Cytogenetic location: 9q31.1.
Variant type: single nucleotide variant.
Coding change: c.*1617C>T on transcript NM_001701.4 (MANE Select); 1617 bases downstream of the stop codon, C replaced by T.
Molecular consequence: 3 prime UTR variant.
Genome position (GRCh38, 1-based): chr9:101,360,811, G>A on the plus strand (C>T on the coding strand, the complement: BAAT is on the minus strand). VCF-style: chr9-101360811-G-A. GRCh37 (hg19) VCF-style: chr9-104123093-G-A.
Other names: c.*1617C>T (NM_001127610.2, NM_001374715.1).
Identifiers: ClinVar variation 913430 (VCV000913430.4), dbSNP rs146019667, ClinGen allele CA196948046.